The following is an entry in ClinVar:

NM_006567.5(FARS2):c.1065+243A>G

Gene: FARS2 (phenylalanyl-tRNA synthetase 2, mitochondrial; plus strand). Cytogenetic location: 6p25.1.
Variant type: single nucleotide variant.
Coding change: c.1065+243A>G on transcript NM_006567.5 (MANE Select); 243 bases into the intron after coding-DNA position 1065, A replaced by G.
Molecular consequence: intron variant.
Genome position (GRCh38, 1-based): chr6:5,545,583, A>G. VCF-style: chr6-5545583-A-G. GRCh37 (hg19) VCF-style: chr6-5545816-A-G.
Other names: c.1065+243A>G (NM_001374878.1, NM_001318872.2, NM_001374877.1 and 4 more transcripts); c.933+243A>G (NM_001375258.1); c.369+243A>G (NM_001375260.1, NM_001375259.1).
Identifiers: ClinVar variation 680572 (VCV000680572.1), dbSNP rs9392695, ClinGen allele CA12222954.
Genomic context (GRCh38, chr6:5,545,583, plus strand): 5'-TGGTGGTTTGCTGTGCCTATCAACCCGTCATCTAGGTTTTAAGCCCCACATGCATTAGGT[A>G]TTTGTCCTAATGCTCTGCCTCCCCTTGCCTGCCACCCCGCAACAGGCCCCGGTGTGTGAT-3'

ClinVar aggregate classification (germline): Benign (1 of 4 stars; one submission).

Allele frequency attached by ClinVar (database versions not stated): 1000 Genomes Project 0.35164; gnomAD 0.35499 and 0.36048; 1000 Genomes Project 30x 0.35681.
gnomAD v4.1: 53,629 of 151,518 alleles (35%); highest among the groups gnomAD compares: African/African-American, 47%; 9,981 homozygotes.

Submission:

GeneDx
Classification: Benign. Last evaluated: 2018-06-14. Review status: criteria provided, single submitter. Criteria: GeneDx Variant Classification (06012015). Collection method: clinical testing. Allele origin: germline. Affected: yes.
Comment: This variant is considered likely benign or benign based on one or more of the following criteria: it is a conservative change, it occurs at a poorly conserved position in the protein, it is predicted to be benign by multiple in silico algorithms, and/or has population frequency not consistent with disease.